The following is an entry in ClinVar:

ClinVar aggregate classification (germline): Uncertain significance (1 of 4 stars; one submission).

gnomAD v4.1: 8 of 1,614,246 alleles (0.0005%); highest among the groups gnomAD compares: Admixed American, 0.013%; no homozygotes.

Submission:

GeneDx
Classification: Uncertain significance. Last evaluated: 2023-12-15. Review status: criteria provided, single submitter. Criteria: GeneDx Variant Classification Process June 2021. Collection method: clinical testing. Allele origin: germline. Affected: yes.
Comment: Has not been previously published as pathogenic or benign to our knowledge; In silico analysis supports that this missense variant has a deleterious effect on protein structure/function; This variant is associated with the following publications: (PMID: 23472759)

NM_002291.3(LAMB1):c.2591G>C (p.Cys864Ser)

Gene: LAMB1 (laminin subunit beta 1; minus strand). Cytogenetic location: 7q31.1.
Variant type: single nucleotide variant.
Coding change: c.2591G>C on transcript NM_002291.3 (MANE Select); coding-DNA position 2591, G replaced by C.
Protein change: p.Cys864Ser; replaces cysteine 864 with serine.
Molecular consequence: missense variant.
Genome position (GRCh38, 1-based): chr7:107,959,348, C>G on the plus strand (G>C on the coding strand, the complement: LAMB1 is on the minus strand). VCF-style: chr7-107959348-C-G. GRCh37 (hg19) VCF-style: chr7-107599793-C-G.
Other names: short protein forms C864S.
Identifiers: ClinVar variation 3343885 (VCV003343885.1).